The following is an entry in ClinVar:

ClinVar aggregate classification (germline): Uncertain significance. Review status: criteria provided, multiple submitters, no conflicts (2 of 4 stars). 2 submissions from 2 submitters: Uncertain significance (2). Last evaluated 2021-11-23.

Conditions:
Mitochondrial hypertrophic cardiomyopathy with lactic acidosis due to MTO1 deficiency. Also called: Combined oxidative phosphorylation deficiency 10; CARDIOMYOPATHY, INFANTILE HYPERTROPHIC MITOCHONDRIAL, AND LACTIC ACIDOSIS. Identifiers: Orphanet 314637, MedGen C4749921, MONDO:0013865, OMIM 614702.

Allele frequency attached by ClinVar (database versions not stated): gnomAD exomes below 0.00001; TOPMed below 0.00001; gnomAD 0.00001.
gnomAD v4.1: 5 of 1,606,896 alleles (0.00031%); highest among the groups gnomAD compares: Non-Finnish European, 0.00043%; no homozygotes.

Submissions (2):

Fulgent Genetics
Classification: Uncertain significance for Mitochondrial hypertrophic cardiomyopathy with lactic acidosis due to MTO1 deficiency. Last evaluated: 2021-11-23. Review status: criteria provided, single submitter. Criteria: ACMG Guidelines, 2015. Collection method: clinical testing. Allele origin: unknown.

Labcorp Genetics (formerly Invitae), Labcorp
Classification: Uncertain significance for Mitochondrial hypertrophic cardiomyopathy with lactic acidosis due to MTO1 deficiency. Last evaluated: 2019-05-14. Review status: criteria provided, single submitter. Criteria: Invitae Variant Classification Sherloc (09022015). Collection method: clinical testing. Allele origin: germline.
Comment: In summary, the available evidence is currently insufficient to determine the role of this variant in disease. Therefore, it has been classified as a Variant of Uncertain Significance. Nucleotide substitutions within the consensus splice site are a relatively common cause of aberrant splicing (PMID: 17576681, 9536098). Algorithms developed to predict the effect of sequence changes on RNA splicing suggest that this variant may disrupt the consensus splice site, but this prediction has not been confirmed by published transcriptional studies. This variant has not been reported in the literature in individuals with MTO1-related conditions. This variant is not present in population databases (ExAC no frequency). This sequence change falls in intron 3 of the MTO1 gene. It does not directly change the encoded amino acid sequence of the MTO1 protein, but it affects a nucleotide within the consensus splice site of the intron.

Literature cited by the submitters: PubMed 17576681 (cited by Labcorp Genetics (formerly Invitae), Labcorp); PubMed 9536098 (cited by Labcorp Genetics (formerly Invitae), Labcorp).

NM_012123.4(MTO1):c.535+5G>A

Gene: MTO1 (mitochondrial tRNA translation optimization 1; plus strand). Cytogenetic location: 6q13.
Variant type: single nucleotide variant.
Coding change: c.535+5G>A on transcript NM_012123.4 (MANE Select); 5 bases into the intron after coding-DNA position 535, G replaced by A.
Molecular consequence: intron variant.
Genome position (GRCh38, 1-based): chr6:73,466,611, G>A. VCF-style: chr6-73466611-G-A. GRCh37 (hg19) VCF-style: chr6-74176334-G-A.
Other names: c.535+5G>A (NM_133645.3, NM_001123226.2).
Identifiers: ClinVar variation 846664 (VCV000846664.8), dbSNP rs1405997705, ClinGen allele CA568118530.
Genomic context (GRCh38, chr6:73,466,611, plus strand): 5'-TACAGAACCAGAGCCTGAACACACTGGGAAATGCCGTGTCAGTGGGGTTGTTTTGGGTAC[G>A]TATTGGTTATAGATGGTGTATGATAACAGCATATCAAATTCCATGTGAGAAATTTATTTT-3'